The following is an entry in ClinVar:

NM_000368.5(TSC1):c.1141+1G>T

Gene: TSC1 (TSC complex subunit 1; minus strand). Cytogenetic location: 9q34.13.
Variant type: single nucleotide variant.
Coding change: c.1141+1G>T on transcript NM_000368.5 (MANE Select); the canonical splice donor site of the intron after coding-DNA position 1141, G replaced by T.
Molecular consequence: splice donor variant.
Genome position (GRCh38, 1-based): chr9:132,911,001, C>A on the plus strand (G>T on the coding strand, the complement: TSC1 is on the minus strand). VCF-style: chr9-132911001-C-A. GRCh37 (hg19) VCF-style: chr9-135786388-C-A.
Other names: c.778+1G>T (NM_001406620.1, NM_001406618.1, NM_001406625.1 and 10 more transcripts); c.988+1G>T (NM_001406613.1, NM_001406612.1, NM_001406610.1 and 2 more transcripts); c.190+1G>T (NM_001406627.1, NM_001406628.1, NM_001406626.1); c.91+1G>T (NM_001406629.1, NM_001406630.1); c.1141+1G>T (NM_001406603.1, NM_001406609.1, NM_001406597.1 and 16 more transcripts).
Identifiers: ClinVar variation 64765 (VCV000064765.7), dbSNP rs397514819, ClinGen allele CA004442.

ClinVar aggregate classification (germline): Likely pathogenic. Review status: criteria provided, single submitter (1 of 4 stars). 2 submissions from 2 submitters: Likely pathogenic (1). 1 of the submissions does not count toward it. Last evaluated 2020-10-08.

Conditions:
Tuberous sclerosis syndrome (TSC). Also called: Tuberous Sclerosis Complex; Tuberous sclerosis. Identifiers: Orphanet 805, MedGen C0041341, MONDO:0001734.

Submissions (2):

Mayo Clinic Laboratories, Mayo Clinic
Classification: Likely pathogenic. Last evaluated: 2020-10-08. Review status: criteria provided, single submitter. Criteria: ACMG Guidelines, 2015. Collection method: clinical testing. Allele origin: germline. Observed: 1 variant allele.
Comment: PVS1, PM2

Tuberous sclerosis database (TSC1)
No classification provided. Condition: TSC. Review status: no classification provided. Criteria: Tuberous Sclerosis Database Assertion Criteria 2015. Collection method: curation. Allele origin: germline. Affected: yes. Not counted in ClinVar's aggregate classification.